The following is an entry in ClinVar:

NM_004304.5(ALK):c.1210C>G (p.Leu404Val)

Gene: ALK (ALK receptor tyrosine kinase; minus strand). Cytogenetic location: 2p23.2.
Variant type: single nucleotide variant.
Coding change: c.1210C>G on transcript NM_004304.5 (MANE Select); coding-DNA position 1210, C replaced by G.
Protein change: p.Leu404Val; replaces leucine 404 with valine.
Molecular consequence: missense variant.
Genome position (GRCh38, 1-based): chr2:29,383,804, G>C on the plus strand (C>G on the coding strand, the complement: ALK is on the minus strand). VCF-style: chr2-29383804-G-C. GRCh37 (hg19) VCF-style: chr2-29606670-G-C.
Other names: c.1210C>G (NM_004304.4); short protein forms L404V.
Identifiers: ClinVar variation 2828785 (VCV002828785.4), dbSNP rs1668964417, ClinGen allele CA346585313.

ClinVar aggregate classification (germline): Uncertain significance. Review status: criteria provided, multiple submitters, no conflicts (2 of 4 stars). 2 submissions from 2 submitters: Uncertain significance (2). Last evaluated 2026-04-26.

Conditions:
Hereditary cancer-predisposing syndrome. Also called: Tumor predisposition; Hereditary neoplastic syndrome; Neoplastic Syndromes, Hereditary; Hereditary Cancer Syndrome. Identifiers: Orphanet 140162, MedGen C0027672, MeSH D009386, MONDO:0015356.
Neuroblastoma, susceptibility to, 3. Also called: ALK-Related Neuroblastic Tumor Susceptibility. Identifiers: Orphanet 635, MedGen C2751681, MONDO:0013083, OMIM 613014.

Submissions (2):

Ambry Genetics
Classification: Uncertain significance for Hereditary cancer-predisposing syndrome. Last evaluated: 2026-04-26. Review status: criteria provided, single submitter. Criteria: Ambry Variant Classification Scheme 2023. Collection method: clinical testing. Allele origin: germline.
Comment: The p.L404V variant (also known as c.1210C>G), located in coding exon 5 of the ALK gene, results from a C to G substitution at nucleotide position 1210. The leucine at codon 404 is replaced by valine, an amino acid with highly similar properties. This amino acid position is conserved. In addition, this alteration is predicted to be tolerated by in silico analysis. Based on the available evidence, the clinical significance of this variant remains unclear.

Labcorp Genetics (formerly Invitae), Labcorp
Classification: Uncertain significance for Neuroblastoma, susceptibility to, 3. Last evaluated: 2023-01-15. Review status: criteria provided, single submitter. Criteria: Invitae Variant Classification Sherloc (09022015). Collection method: clinical testing. Allele origin: germline.
Comment: In summary, the available evidence is currently insufficient to determine the role of this variant in disease. Therefore, it has been classified as a Variant of Uncertain Significance. Algorithms developed to predict the effect of missense changes on protein structure and function are either unavailable or do not agree on the potential impact of this missense change (SIFT: "Deleterious"; PolyPhen-2: "Probably Damaging"; Align-GVGD: "Class C0"). This variant has not been reported in the literature in individuals affected with ALK-related conditions. This variant is not present in population databases (gnomAD no frequency). This sequence change replaces leucine, which is neutral and non-polar, with valine, which is neutral and non-polar, at codon 404 of the ALK protein (p.Leu404Val).